The following is an entry in ClinVar:

NM_018646.6(TRPV6):c.2177G>A (p.Arg726Gln)

Gene: TRPV6 (transient receptor potential cation channel subfamily V member 6; minus strand). Cytogenetic location: 7q34.
Variant type: single nucleotide variant.
Coding change: c.2177G>A on transcript NM_018646.6 (MANE Select); coding-DNA position 2177, G replaced by A.
Protein change: p.Arg726Gln; replaces arginine 726 with glutamine.
Molecular consequence: missense variant.
Genome position (GRCh38, 1-based): chr7:142,871,828, C>T on the plus strand (G>A on the coding strand, the complement: TRPV6 is on the minus strand). VCF-style: chr7-142871828-C-T. GRCh37 (hg19) VCF-style: chr7-142569581-C-T.
Other names: short protein forms R726Q.
Identifiers: ClinVar variation 2291615 (VCV002291615.3), dbSNP rs150837047, ClinGen allele CA369626703.

ClinVar aggregate classification (germline): Uncertain significance. Review status: criteria provided, multiple submitters, no conflicts (2 of 4 stars). 2 submissions from 2 submitters: Uncertain significance (2). Last evaluated 2025-12-07.

Conditions:
Inborn genetic diseases. Identifiers: MedGen C0950123, MeSH D030342.

gnomAD v4.1: 87 of 1,614,032 alleles (0.0054%); highest among the groups gnomAD compares: Middle Eastern, 0.016%; no homozygotes.

Submissions (2):

Labcorp Genetics (formerly Invitae), Labcorp
Classification: Uncertain significance. Last evaluated: 2025-12-07. Review status: criteria provided, single submitter. Criteria: Invitae Variant Classification Sherloc (09022015). Collection method: clinical testing. Allele origin: germline.
Comment: This sequence change replaces arginine, which is basic and polar, with glutamine, which is neutral and polar, at codon 726 of the TRPV6 protein (p.Arg726Gln). This variant is present in population databases (no rsID available, gnomAD 0.0009%). This variant has not been reported in the literature in individuals affected with TRPV6-related conditions. ClinVar contains an entry for this variant (Variation ID: 2291615). Experimental studies and prediction algorithms are not available or were not evaluated, and the functional significance of this variant is currently unknown. In summary, the available evidence is currently insufficient to determine the role of this variant in disease. Therefore, it has been classified as a Variant of Uncertain Significance.

Ambry Genetics
Classification: Uncertain significance for Inborn genetic diseases. Last evaluated: 2022-05-27. Review status: criteria provided, single submitter. Criteria: Ambry Variant Classification Scheme 2023. Collection method: clinical testing. Allele origin: germline.